The following is an entry in ClinVar:

ClinVar aggregate classification (germline): Uncertain significance (1 of 4 stars; one submission).

Conditions:
Duchenne muscular dystrophy (DMD). Also called: MUSCULAR DYSTROPHY, PSEUDOHYPERTROPHIC PROGRESSIVE, DUCHENNE TYPE; Duchenne Muscular Dystrophy (DMD). Identifiers: Orphanet 98896, MedGen C0013264, MONDO:0010679, OMIM 310200.

Submission:

Labcorp Genetics (formerly Invitae), Labcorp
Classification: Uncertain significance for Duchenne muscular dystrophy. Last evaluated: 2022-03-08. Review status: criteria provided, single submitter. Criteria: Invitae Variant Classification Sherloc (09022015). Collection method: clinical testing. Allele origin: germline.
Comment: This variant has not been reported in the literature in individuals affected with DMD-related conditions. In summary, the available evidence is currently insufficient to determine the role of this variant in disease. Therefore, it has been classified as a Variant of Uncertain Significance. Algorithms developed to predict the effect of missense changes on protein structure and function are either unavailable or do not agree on the potential impact of this missense change (SIFT: "Deleterious"; PolyPhen-2: "Benign"; Align-GVGD: "Class C0"). This variant is not present in population databases (gnomAD no frequency). This sequence change replaces aspartic acid, which is acidic and polar, with histidine, which is basic and polar, at codon 2332 of the DMD protein (p.Asp2332His).

NM_004006.3(DMD):c.6994G>C (p.Asp2332His)

Gene: DMD (dystrophin; minus strand). Cytogenetic location: Xp21.1.
Variant type: single nucleotide variant.
Coding change: c.6994G>C on transcript NM_004006.3 (MANE Select); coding-DNA position 6994, G replaced by C.
Protein change: p.Asp2332His; replaces aspartic acid 2332 with histidine.
Molecular consequence: missense variant. On other transcripts: 5 prime UTR variant (5).
Genome position (GRCh38, 1-based): chrX:31,875,292, C>G on the plus strand (G>C on the coding strand, the complement: DMD is on the minus strand). VCF-style: chrX-31875292-C-G. GRCh37 (hg19) VCF-style: chrX-31893409-C-G.
Other names: c.6970G>C, p.Asp2324His (NM_000109.4); c.6982G>C, p.Asp2328His (NM_004009.3); c.6625G>C, p.Asp2209His (NM_004010.3); c.2971G>C, p.Asp991His (NM_004011.4); c.2962G>C, p.Asp988His (NM_004012.4); c.-387G>C (NM_004013.3, NM_004020.4, NM_004021.3 and 2 more transcripts); short protein forms D2324H, D2332H, D2209H, D988H, D991H, D2328H.
Identifiers: ClinVar variation 2107619 (VCV002107619.4), dbSNP rs2093951682, ClinGen allele CA412660092.
Genomic context (GRCh38, chrX:31,875,292, plus strand): 5'-CCAACTGATTCCTAATAGGAGATAACCACAGCAGCAGATGATTTAACTGCTCTTCAAGGT[C>G]TTCAAGCTTTTTTTCAAGCTGCCCAAGGTCTTTTATTTGAGCTTCAATTTCTCCTTGTTT-3'
Protein context (NP_003997.2, residues 2322-2342): DLGQLEKKLE[Asp2332His]LEEQLNHLLL